The following is an entry in ClinVar:

NM_001009944.3(PKD1):c.4929C>A (p.Tyr1643Ter)

Gene: PKD1 (polycystin 1, transient receptor potential channel interacting; minus strand). Cytogenetic location: 16p13.3.
Variant type: single nucleotide variant.
Coding change: c.4929C>A on transcript NM_001009944.3 (MANE Select); coding-DNA position 4929, C replaced by A.
Protein change: p.Tyr1643Ter; replaces tyrosine 1643 with a stop codon.
Molecular consequence: nonsense.
Genome position (GRCh38, 1-based): chr16:2,110,238, G>T on the plus strand (C>A on the coding strand, the complement: PKD1 is on the minus strand). VCF-style: chr16-2110238-G-T. GRCh37 (hg19) VCF-style: chr16-2160239-G-T.
Other names: c.4929C>A, p.Tyr1643Ter (NM_000296.4); short protein forms Y1643*.
Identifiers: ClinVar variation 4818942 (VCV004818942.1).
Genomic context (GRCh38, chr16:2,110,238, plus strand): 5'-GGAGACGTTGGTGCCATCCCTAACCACGGCCTGCAGCTGTACCGTGTGGTTGGTGGGGAA[G>T]TAGCGGCCACCGCCCACCACCTGCAGCCCCTCTATGAGCTGCAGGACATAGACGAAGATG-3'

ClinVar aggregate classification (germline): Pathogenic (1 of 4 stars; one submission).

Conditions:
Polycystic kidney disease, adult type (PKD1). Also called: Polycystic Kidney Disease 1, Autosomal Dominant; Polycystic kidney disease 1; Polycystic kidney disease 1, severe; Polycystic Kidney, Autosomal Dominant; POLYCYSTIC KIDNEY DISEASE, ADULT, TYPE I; POLYCYSTIC KIDNEY DISEASE 1 WITH OR WITHOUT POLYCYSTIC LIVER DISEASE. Identifiers: MedGen C3149841, MONDO:0008263, OMIM 173900.

Submission:

Victorian Clinical Genetics Services, Murdoch Childrens Research Institute
Classification: Pathogenic for Polycystic kidney disease, adult type. Last evaluated: 2025-12-03. Review status: criteria provided, single submitter. Criteria: ACMG Guidelines, 2015. Collection method: clinical testing. Allele origin: germline. Affected: yes.
Comment: This variant is classified as Pathogenic. Evidence in support of pathogenic classification: Variant is predicted to cause nonsense-mediated decay (NMD) and loss of protein (premature termination codon is located at least 54 nucleotides upstream of the final exon-exon junction); An alternate nucleotide change resulting in the same amino acid change is present in gnomAD <0.001 for a dominant condition (v4: 1 heterozygote(s), 0 homozygote(s)); Other NMD-predicted variant(s) comparable to the one identified in this case have very strong previous evidence for pathogenicity (DECIPHER). Additional information: This variant is heterozygous; This gene is associated with autosomal dominant disease. Polycystic kidney disease 1 (MIM#173900) is predominantly caused by monoallelic variants, with rare reports of biallelic variants causing disease (OMIM); Loss of function is a known mechanism of disease in this gene and is associated with polycystic kidney disease 1 (MIM#173900); Inheritance information for this variant is not currently available in this individual.